The following is an entry in ClinVar:

ClinVar aggregate classification (germline): Uncertain significance. Review status: criteria provided, multiple submitters, no conflicts (2 of 4 stars). 2 submissions from 2 submitters: Uncertain significance (2). Last evaluated 2023-10-17.

Conditions:
Sialuria. Also called: Sialic Acid Storage Disease; SIALURIA, FRENCH TYPE. Identifiers: Orphanet 3166, MedGen C0342853, MONDO:0010028, OMIM 269921.
GNE myopathy (NM). Also called: NONAKA DISTAL MYOPATHY; IBM 2; Inclusion body myopathy autosomal recessive; Inclusion body myopathy quadriceps sparing; INCLUSION BODY MYOPATHY, HEREDITARY, AUTOSOMAL RECESSIVE; INCLUSION BODY MYOPATHY 2, AUTOSOMAL RECESSIVE. Identifiers: Orphanet 602, MedGen C1853926, MONDO:0011603, OMIM 605820.

Allele frequency attached by ClinVar (database versions not stated): gnomAD exomes below 0.00001; ExAC 0.00001.
gnomAD v4.1: 1 of 1,612,932 alleles (0.000062%); highest among the groups gnomAD compares: South Asian, 0.0011%; no homozygotes.

Submissions (2):

Labcorp Genetics (formerly Invitae), Labcorp
Classification: Uncertain significance for Sialuria; GNE myopathy. Last evaluated: 2023-10-17. Review status: criteria provided, single submitter. Criteria: Invitae Variant Classification Sherloc (09022015). Collection method: clinical testing. Allele origin: germline.
Comment: This sequence change replaces methionine, which is neutral and non-polar, with threonine, which is neutral and polar, at codon 263 of the GNE protein (p.Met263Thr). This variant is present in population databases (rs761468890, gnomAD 0.003%). This variant has not been reported in the literature in individuals affected with GNE-related conditions. ClinVar contains an entry for this variant (Variation ID: 289477). Advanced modeling of protein sequence and biophysical properties (such as structural, functional, and spatial information, amino acid conservation, physicochemical variation, residue mobility, and thermodynamic stability) has been performed at Invitae for this missense variant, however the output from this modeling did not meet the statistical confidence thresholds required to predict the impact of this variant on GNE protein function. In summary, the available evidence is currently insufficient to determine the role of this variant in disease. Therefore, it has been classified as a Variant of Uncertain Significance.

Eurofins Ntd Llc (ga)
Classification: Uncertain significance. Last evaluated: 2016-07-25. Review status: criteria provided, single submitter. Criteria: EGL Classification Definitions 2015. Collection method: clinical testing. Allele origin: germline. Observed: 1 variant allele, 1 heterozygote.

NM_005476.7(GNE):c.695T>C (p.Met232Thr)

Gene: GNE (glucosamine (UDP-N-acetyl)-2-epimerase/N-acetylmannosamine kinase; minus strand). Cytogenetic location: 9p13.3.
Variant type: single nucleotide variant.
Coding change: c.695T>C on transcript NM_005476.7 (MANE Select); coding-DNA position 695, T replaced by C.
Protein change: p.Met232Thr; replaces methionine 232 with threonine.
Molecular consequence: missense variant. On other transcripts: intron variant (2).
Genome position (GRCh38, 1-based): chr9:36,236,906, A>G on the plus strand (T>C on the coding strand, the complement: GNE is on the minus strand). VCF-style: chr9-36236906-A-G. GRCh37 (hg19) VCF-style: chr9-36236903-A-G.
Other names: c.788T>C, p.Met263Thr (NM_001128227.3); c.695T>C, p.Met232Thr (NM_001190383.3); c.518T>C, p.Met173Thr (NM_001190388.2, NM_001374798.1); c.440-2774T>C (NM_001190384.3); c.617-2774T>C (NM_001374797.1); short protein forms M263T, M232T, M173T.
Identifiers: ClinVar variation 289477 (VCV000289477.8), dbSNP rs761468890, ClinGen allele CA5056677.
Genomic context (GRCh38, chr9:36,236,906, plus strand): 5'-GGAAACAGGACTAGGGTCCGCTTGTTAAATGAGATAAGTGCATCCAATGTTAATTCAAAC[A>G]TTTTTATGGAATGCTTAATGTCAGTGGTCACAGGGTGCTGTAGTGCAACAATGTAATCTT-3'
Protein context (NP_005467.1, residues 222-242): VTTDIKHSIK[Met232Thr]FELTLDALIS